The following is an entry in ClinVar:

NM_000238.4(KCNH2):c.3362C>T (p.Pro1121Leu)

Gene: KCNH2 (potassium voltage-gated channel subfamily H member 2; minus strand). Cytogenetic location: 7q36.1.
Variant type: single nucleotide variant.
Coding change: c.3362C>T on transcript NM_000238.4 (MANE Select); coding-DNA position 3362, C replaced by T.
Protein change: p.Pro1121Leu; replaces proline 1121 with leucine.
Molecular consequence: missense variant. On other transcripts: non-coding transcript variant (2).
Genome position (GRCh38, 1-based): chr7:150,945,483, G>A on the plus strand (C>T on the coding strand, the complement: KCNH2 is on the minus strand). VCF-style: chr7-150945483-G-A. GRCh37 (hg19) VCF-style: chr7-150642571-G-A.
Other names: c.3074C>T, p.Pro1025Leu (NM_001406753.1); c.2342C>T, p.Pro781Leu (NM_172057.3); short protein forms P1025L, P1121L, P781L.
Identifiers: ClinVar variation 3070356 (VCV003070356.2), dbSNP rs1800857639, ClinGen allele CA369851563.

ClinVar aggregate classification (germline): Uncertain significance. Review status: criteria provided, multiple submitters, no conflicts (2 of 4 stars). 2 submissions from 2 submitters: Uncertain significance (2). Last evaluated 2025-06-18.

Conditions:
Long QT syndrome (LQTS). Identifiers: MedGen C0023976, MeSH D008133, MONDO:0002442. Disease mechanism: loss of function. Inheritance: Various modes of inheritance.
Cardiac arrhythmia. Also called: Cardiac rhythm disease; Arrhythmia. Identifiers: MedGen C0003811, MONDO:0007263, HP:0011675.

Allele frequency attached by ClinVar (database versions not stated): gnomAD exomes 0.00001.

Submissions (2):

Color Diagnostics, LLC DBA Color Health
Classification: Uncertain significance for Cardiac arrhythmia. Last evaluated: 2025-06-18. Review status: criteria provided, single submitter. Criteria: ACMG Guidelines, 2015. Collection method: clinical testing. Allele origin: germline.
Comment: This missense variant replaces proline with leucine at codon 1121 of the KCNH2 protein. Computational prediction suggests that this variant may not impact protein structure and function. To our knowledge, functional studies have not been reported for this variant. This variant has not been reported in individuals affected with KCNH2-related disorders in the literature. This variant has not been identified in the general population by the Genome Aggregation Database (gnomAD). The available evidence is insufficient to determine the role of this variant in disease conclusively. Therefore, this variant is classified as a Variant of Uncertain Significance.

All of Us Research Program, National Institutes of Health
Classification: Uncertain significance for Long QT syndrome. Last evaluated: 2023-04-10. Review status: criteria provided, single submitter. Criteria: ACMG Guidelines, 2015. Collection method: clinical testing. Allele origin: germline. Inheritance: Autosomal dominant inheritance. Observed: 2 variant alleles, 2 heterozygotes.
Comment: This missense variant replaces proline with leucine at codon 1121 of the KCNH2 protein. Computational prediction suggests that this variant may not impact protein structure and function (internally defined REVEL score threshold <= 0.5, PMID: 27666373). To our knowledge, functional studies have not been reported for this variant. This variant has not been reported in individuals affected with KCNH2-related disorders in the literature. This variant has not been identified in the general population by the Genome Aggregation Database (gnomAD). The available evidence is insufficient to determine the role of this variant in disease conclusively. Therefore, this variant is classified as a Variant of Uncertain Significance.

This study involves interpretation of variants in research participants for the purpose of population health screening. Participant phenotype was not available at the time of variant classification. Additional details can be found in publication PMID: 35346344, PMCID: PMC8962531